The following is an entry in ClinVar:

NM_001166108.2(PALLD):c.2679A>G (p.Arg893=)

Genes: CBR4 (carbonyl reductase 4; minus strand), PALLD (palladin, cytoskeletal associated protein; plus strand). Cytogenetic location: 4q32.3.
Variant type: single nucleotide variant.
Coding change: c.2679A>G on transcript NM_001166108.2 (MANE Select); coding-DNA position 2679, A replaced by G.
Protein change: p.Arg893=; no amino-acid change (arginine 893 retained).
Molecular consequence: synonymous variant.
Genome position (GRCh38, 1-based): chr4:168,913,983, A>G. VCF-style: chr4-168913983-A-G. GRCh37 (hg19) VCF-style: chr4-169835134-A-G.
Other names: c.1482A>G, p.Arg494= (NM_001166109.2); c.1167A>G, p.Arg389= (NM_001166110.2); c.507A>G, p.Arg169= (NM_001367567.1, NM_001367569.1); c.558A>G, p.Arg186= (NM_001367568.1, NM_001367570.1); c.2628A>G, p.Arg876= (NM_016081.4).
Identifiers: ClinVar variation 348043 (VCV000348043.21), dbSNP rs1059444, ClinGen allele CA3135926.
Genomic context (GRCh38, chr4:168,913,983, plus strand): 5'-ACAGGGCCGCATCAGTTGTACTGGACGGCTAATGGTACAGGCTGTCAACCAAAGAGGTCG[A>G]AGTCCCCGGTCTCCCTCAGGCCATCCTCATGTCAGAAGGTATTTAACATGTTCCTTCCCA-3'
Protein context (NP_001159580.1, residues 883-903): LMVQAVNQRG[Arg893=]SPRSPSGHPH

ClinVar aggregate classification (germline): Benign. Review status: criteria provided, multiple submitters, no conflicts (2 of 4 stars). 6 submissions from 6 submitters: Benign (6). Last evaluated 2026-02-04.

Conditions:
Pancreatic adenocarcinoma. Identifiers: MedGen C0281361, MONDO:0006047, HP:0006725.
Pancreatic cancer, susceptibility to, 1. Identifiers: Orphanet 1333, MedGen C1847351, MONDO:0011739, OMIM 606856.

Allele frequency attached by ClinVar (database versions not stated): gnomAD exomes 0.09159 and 0.09805; ExAC 0.09268; 1000 Genomes Project 0.10543; 1000 Genomes Project 30x 0.11181; gnomAD 0.12401 and 0.12743; TOPMed 0.13325; ESP Exome Variant Server 0.14101.
gnomAD v4.1: 162,484 of 1,611,468 alleles (10%); highest among the groups gnomAD compares: African/African-American, 20%; 9,124 homozygotes.

Submissions (21):

Labcorp Genetics (formerly Invitae), Labcorp
Classification: Benign for Pancreatic adenocarcinoma. Last evaluated: 2026-02-04. Review status: criteria provided, single submitter. Criteria: Invitae Variant Classification Sherloc (09022015). Collection method: clinical testing. Allele origin: germline.

KCCC/NGS Laboratory, Kuwait Cancer Control Center
Classification: Benign for Pancreatic cancer, susceptibility to, 1. Last evaluated: 2023-07-07. Review status: criteria provided, single submitter. Criteria: ACMG Guidelines, 2015. Collection method: clinical testing. Allele origin: germline. Affected: yes.

Ambry Genetics
Classification: Benign. Last evaluated: 2020-07-30. Review status: criteria provided, single submitter. Criteria: Ambry Variant Classification Scheme 2023. Collection method: clinical testing. Allele origin: germline.

Illumina Laboratory Services, Illumina
Classification: Benign for Pancreatic cancer, susceptibility to, 1. Last evaluated: 2018-01-13. Review status: criteria provided, single submitter. Criteria: ICSL Variant Classification Criteria 13 December 2019. Collection method: clinical testing. Allele origin: germline.
Comment: This variant was observed in the ICSL laboratory as part of a predisposition screen in an ostensibly healthy population. It had not been previously curated by ICSL or reported in the Human Gene Mutation Database (HGMD: prior to June 1st, 2018), and was therefore a candidate for classification through an automated scoring system. Utilizing variant allele frequency, disease prevalence and penetrance estimates, and inheritance mode, an automated score was calculated to assess if this variant is too frequent to cause the disease. Based on the score and internal cut-off values, a variant classified as benign is not then subjected to further curation. The score for this variant resulted in a classification of benign for this disease.

GeneDx
Classification: Benign. Last evaluated: 2015-03-03. Review status: criteria provided, single submitter. Criteria: GeneDx Variant Classification Process June 2021. Collection method: clinical testing. Allele origin: germline. Affected: yes.

Breakthrough Genomics
Classification: Benign. Review status: criteria provided, single submitter. Criteria: ACMG Guidelines, 2015. Collection method: not provided. Allele origin: germline. Inheritance: Autosomal dominant inheritance. Affected: yes.

Dr. Peter K. Rogan Lab, Western University
No classification provided (evidence only). Condition: Colorectal cancer. Review status: no classification provided. Collection method: in vitro. Allele origin: not applicable. Functional consequence: skipped exon, retained intron. Not counted in ClinVar's aggregate classification.

Dr. Peter K. Rogan Lab, Western University
No classification provided (evidence only). Condition: Colorectal cancer. Review status: no classification provided. Collection method: in vitro. Allele origin: not applicable. Functional consequence: retained intron. Not counted in ClinVar's aggregate classification.

Dr. Peter K. Rogan Lab, Western University
No classification provided (evidence only). Condition: Colorectal cancer. Review status: no classification provided. Collection method: in vitro. Allele origin: not applicable. Functional consequence: retained intron. Not counted in ClinVar's aggregate classification.

Dr. Peter K. Rogan Lab, Western University
No classification provided (evidence only). Condition: Colorectal cancer. Review status: no classification provided. Collection method: in vitro. Allele origin: not applicable. Functional consequence: retained intron. Not counted in ClinVar's aggregate classification.

Dr. Peter K. Rogan Lab, Western University
No classification provided (evidence only). Condition: Colorectal cancer. Review status: no classification provided. Collection method: in vitro. Allele origin: not applicable. Functional consequence: retained intron. Not counted in ClinVar's aggregate classification.

Dr. Peter K. Rogan Lab, Western University
No classification provided (evidence only). Condition: Colorectal cancer. Review status: no classification provided. Collection method: in vitro. Allele origin: not applicable. Functional consequence: retained intron. Not counted in ClinVar's aggregate classification.

Dr. Peter K. Rogan Lab, Western University
No classification provided (evidence only). Condition: Colorectal cancer. Review status: no classification provided. Collection method: in vitro. Allele origin: not applicable. Functional consequence: retained intron. Not counted in ClinVar's aggregate classification.

Dr. Peter K. Rogan Lab, Western University
No classification provided (evidence only). Condition: Colorectal cancer. Review status: no classification provided. Collection method: in vitro. Allele origin: not applicable. Functional consequence: skipped exon, retained intron. Not counted in ClinVar's aggregate classification.

Dr. Peter K. Rogan Lab, Western University
No classification provided (evidence only). Condition: Malignant lymphoma, large B-cell, diffuse. Review status: no classification provided. Collection method: in vitro. Allele origin: not applicable. Functional consequence: skipped exon. Not counted in ClinVar's aggregate classification.

Dr. Peter K. Rogan Lab, Western University
No classification provided (evidence only). Condition: Thymoma. Review status: no classification provided. Collection method: in vitro. Allele origin: not applicable. Functional consequence: retained intron. Not counted in ClinVar's aggregate classification.

Dr. Peter K. Rogan Lab, Western University
No classification provided (evidence only). Condition: Thymoma. Review status: no classification provided. Collection method: in vitro. Allele origin: not applicable. Functional consequence: retained intron. Not counted in ClinVar's aggregate classification.

Dr. Peter K. Rogan Lab, Western University
No classification provided (evidence only). Condition: Thymoma. Review status: no classification provided. Collection method: in vitro. Allele origin: not applicable. Functional consequence: retained intron. Not counted in ClinVar's aggregate classification.

Dr. Peter K. Rogan Lab, Western University
No classification provided (evidence only). Condition: Thymoma. Review status: no classification provided. Collection method: in vitro. Allele origin: not applicable. Functional consequence: retained intron. Not counted in ClinVar's aggregate classification.

Dr. Peter K. Rogan Lab, Western University
No classification provided (evidence only). Condition: Thymoma. Review status: no classification provided. Collection method: in vitro. Allele origin: not applicable. Functional consequence: retained intron. Not counted in ClinVar's aggregate classification.

Dr. Peter K. Rogan Lab, Western University
No classification provided (evidence only). Condition: Cholangiocarcinoma. Review status: no classification provided. Collection method: in vitro. Allele origin: not applicable. Functional consequence: retained intron. Not counted in ClinVar's aggregate classification.